The following is an entry in ClinVar:

ClinVar aggregate classification (germline): Conflicting classifications of pathogenicity. Review status: criteria provided, conflicting classifications (1 of 4 stars). 2 submissions from 2 submitters: Uncertain significance (1); Likely benign (1). Last evaluated 2025-10-27.

Conditions:
Hereditary cancer-predisposing syndrome. Also called: Neoplastic Syndromes, Hereditary; Tumor predisposition; Hereditary Cancer Syndrome; Hereditary neoplastic syndrome. Identifiers: Orphanet 140162, MedGen C0027672, MeSH D009386, MONDO:0015356.

gnomAD v4.1: 1 of 1,611,952 alleles (0.000062%); highest among the groups gnomAD compares: South Asian, 0.0011%; no homozygotes.

Submissions (2):

Ambry Genetics
Classification: Uncertain significance for Hereditary cancer-predisposing syndrome. Last evaluated: 2025-10-27. Review status: criteria provided, single submitter. Criteria: Ambry Variant Classification Scheme 2023. Collection method: clinical testing. Allele origin: germline.
Comment: The p.A253E variant (also known as c.758C>A), located in coding exon 9 of the BRCA1 gene, results from a C to A substitution at nucleotide position 758. The alanine at codon 253 is replaced by glutamic acid, an amino acid with dissimilar properties. This amino acid position is conserved. In addition, this alteration is predicted to be deleterious by in silico analysis. Based on the available evidence, the clinical significance of this variant remains unclear.

University of Washington Department of Laboratory Medicine, University of Washington
Classification: Likely benign for Hereditary cancer-predisposing syndrome. Last evaluated: 2023-03-23. Review status: criteria provided, single submitter. Criteria: Dines et al. (Genet Med. 2020). Collection method: curation. Allele origin: germline.
Comment: Missense variant in a coldspot region where missense variants are very unlikely to be pathogenic (PMID:31911673).

BRCA1 coldspot (exon 11 using historical exon numbering). Reclassification based on statistical prior probability

NM_007294.4(BRCA1):c.758C>A (p.Ala253Glu)

Gene: BRCA1 (BRCA1 DNA repair associated; minus strand). Cytogenetic location: 17q21.31.
Variant type: single nucleotide variant.
Coding change: c.758C>A on transcript NM_007294.4 (MANE Select); coding-DNA position 758, C replaced by A.
Protein change: p.Ala253Glu; replaces alanine 253 with glutamic acid.
Molecular consequence: missense variant. On other transcripts: non-coding transcript variant (1).
Genome position (GRCh38, 1-based): chr17:43,094,773, G>T on the plus strand (C>A on the coding strand, the complement: BRCA1 is on the minus strand). VCF-style: chr17-43094773-G-T. GRCh37 (hg19) VCF-style: chr17-41246790-G-T.
Other names: c.632C>A, p.Ala211Glu (NM_001408434.1, NM_001408435.1, NM_001407670.1 and 20 more transcripts); c.635C>A, p.Ala212Glu (NM_001408436.1, NM_001408437.1, NM_001408442.1 and 34 more transcripts); c.545C>A, p.Ala182Glu (NM_001407571.1, NM_001407853.1, NM_001407894.1 and 12 more transcripts); c.758C>A, p.Ala253Glu (NM_001407581.1, NM_001407582.1, NM_001407583.1 and 54 more transcripts); c.755C>A, p.Ala252Glu (NM_001407587.1, NM_001407590.1, NM_001407591.1 and 38 more transcripts); c.680C>A, p.Ala227Glu (NM_001407655.1, NM_001407656.1, NM_001407657.1 and 9 more transcripts); c.677C>A, p.Ala226Glu (NM_001407659.1, NM_001407660.1, NM_001407661.1 and 3 more transcripts); c.617C>A, p.Ala206Glu (NM_001407692.1, NM_001407694.1, NM_001407695.1 and 43 more transcripts); and 14 more; short protein forms A164E, A185E, A186E, A206E, A226E, A227E, A253E, A126E.
Identifiers: ClinVar variation 1759651 (VCV001759651.5), dbSNP rs1555593177, ClinGen allele CA10600568.